The following is an entry in ClinVar:

ClinVar aggregate classification (germline): Likely benign. Review status: criteria provided, multiple submitters, no conflicts (2 of 4 stars). 4 submissions from 4 submitters: Likely benign (4). Last evaluated 2025-10-02.

Conditions:
Inborn genetic diseases. Identifiers: MedGen C0950123, MeSH D030342.

Allele frequency attached by ClinVar (database versions not stated): ExAC 0.00002; gnomAD 0.00003 and 0.00004; TOPMed 0.00003; ESP Exome Variant Server 0.00008.
gnomAD v4.1: 48 of 1,613,868 alleles (0.003%); highest among the groups gnomAD compares: Non-Finnish European, 0.0039%; no homozygotes.

Submissions (4):

Labcorp Genetics (formerly Invitae), Labcorp
Classification: Likely benign. Last evaluated: 2025-10-02. Review status: criteria provided, single submitter. Criteria: Invitae Variant Classification Sherloc (09022015). Collection method: clinical testing. Allele origin: germline.

Ambry Genetics
Classification: Likely benign for Inborn genetic diseases. Last evaluated: 2024-11-20. Review status: criteria provided, single submitter. Criteria: Ambry Variant Classification Scheme 2023. Collection method: clinical testing. Allele origin: germline.

Blueprint Genetics
Classification: Likely benign. Last evaluated: 2024-09-05. Review status: criteria provided, single submitter. Criteria: ACMG Guidelines, 2015. Collection method: clinical testing. Allele origin: germline.

CeGaT Center for Human Genetics Tuebingen
Classification: Likely benign. Last evaluated: 2024-01-01. Review status: criteria provided, single submitter. Criteria: CeGaT Center For Human Genetics Tuebingen Variant Classification Criteria Version 2. Collection method: clinical testing. Allele origin: germline. Affected: yes. Observed: 2 variant alleles.
Comment: ASXL1: BP4, BP7

NM_015338.6(ASXL1):c.3966G>A (p.Pro1322=)

Gene: ASXL1 (ASXL transcriptional regulator 1; plus strand). Cytogenetic location: 20q11.21.
Variant type: single nucleotide variant.
Coding change: c.3966G>A on transcript NM_015338.6 (MANE Select); coding-DNA position 3966, G replaced by A.
Protein change: p.Pro1322=; no amino-acid change (proline 1322 retained).
Molecular consequence: synonymous variant.
Genome position (GRCh38, 1-based): chr20:32,436,678, G>A. VCF-style: chr20-32436678-G-A. GRCh37 (hg19) VCF-style: chr20-31024481-G-A.
Other names: c.3783G>A, p.Pro1261= (NM_001363734.1).
Identifiers: ClinVar variation 757556 (VCV000757556.33), dbSNP rs147326327, ClinGen allele CA9808936.